The following is an entry in ClinVar:

NM_002470.4(MYH3):c.3527G>T (p.Arg1176Leu)

Gene: MYH3 (myosin heavy chain 3; minus strand). Cytogenetic location: 17p13.1.
Variant type: single nucleotide variant.
Coding change: c.3527G>T on transcript NM_002470.4 (MANE Select); coding-DNA position 3527, G replaced by T.
Protein change: p.Arg1176Leu; replaces arginine 1176 with leucine.
Molecular consequence: missense variant.
Genome position (GRCh38, 1-based): chr17:10,638,245, C>A on the plus strand (G>T on the coding strand, the complement: MYH3 is on the minus strand). VCF-style: chr17-10638245-C-A. GRCh37 (hg19) VCF-style: chr17-10541562-C-A.
Other names: c.3527G>T (NM_002470.3); short protein forms R1176L.
Identifiers: ClinVar variation 1469614 (VCV001469614.8), dbSNP rs143550129, ClinGen allele CA8392488.

ClinVar aggregate classification (germline): Uncertain significance. Review status: criteria provided, multiple submitters, no conflicts (2 of 4 stars). 2 submissions from 2 submitters: Uncertain significance (2). Last evaluated 2024-11-12.

Conditions:
Inborn genetic diseases. Identifiers: MedGen C0950123, MeSH D030342.

Allele frequency attached by ClinVar (database versions not stated): ExAC 0.00002; gnomAD exomes 0.00004; ESP Exome Variant Server 0.00008.
gnomAD v4.1: 112 of 1,613,798 alleles (0.0069%); highest among the groups gnomAD compares: African/African-American, 0.015%; no homozygotes.

Submissions (2):

Labcorp Genetics (formerly Invitae), Labcorp
Classification: Uncertain significance. Last evaluated: 2024-11-12. Review status: criteria provided, single submitter. Criteria: Invitae Variant Classification Sherloc (09022015). Collection method: clinical testing. Allele origin: germline.
Comment: This sequence change replaces arginine, which is basic and polar, with leucine, which is neutral and non-polar, at codon 1176 of the MYH3 protein (p.Arg1176Leu). This variant is present in population databases (rs143550129, gnomAD 0.008%). This variant has not been reported in the literature in individuals affected with MYH3-related conditions. ClinVar contains an entry for this variant (Variation ID: 1469614). Invitae Evidence Modeling of protein sequence and biophysical properties (such as structural, functional, and spatial information, amino acid conservation, physicochemical variation, residue mobility, and thermodynamic stability) indicates that this missense variant is not expected to disrupt MYH3 protein function with a negative predictive value of 95%. In summary, the available evidence is currently insufficient to determine the role of this variant in disease. Therefore, it has been classified as a Variant of Uncertain Significance.

Ambry Genetics
Classification: Uncertain significance for Inborn genetic diseases. Last evaluated: 2021-06-18. Review status: criteria provided, single submitter. Criteria: Ambry Variant Classification Scheme 2023. Collection method: clinical testing. Allele origin: germline.